The following is an entry in ClinVar:

ClinVar aggregate classification (germline): Benign (0 of 4 stars; one submission).

Conditions:
SPATA13-related disorder. Also called: SPATA13-related condition.

Allele frequency attached by ClinVar (database versions not stated): 1000 Genomes Project 30x 0.00562; 1000 Genomes Project 0.00579; gnomAD 0.01043; ExAC 0.01097; TOPMed 0.01119; ESP Exome Variant Server 0.01168.
gnomAD v4.1: 22,992 of 1,612,834 alleles (1.4%); highest among the groups gnomAD compares: Middle Eastern, 1.9%; 181 homozygotes.

Submission:

PreventionGenetics, part of Exact Sciences
Classification: Benign for SPATA13-related condition. Last evaluated: 2020-02-07. Review status: no assertion criteria provided. Collection method: clinical testing. Allele origin: germline.
Comment: This variant is classified as benign based on ACMG/AMP sequence variant interpretation guidelines (Richards et al. 2015 PMID: 25741868, with internal and published modifications).

NM_001166271.3(SPATA13):c.2165-13279G>C

Gene: SPATA13 (spermatogenesis associated 13; plus strand). Cytogenetic location: 13q12.12.
Variant type: single nucleotide variant.
Coding change: c.2165-13279G>C on transcript NM_001166271.3 (MANE Select); 13279 bases into the intron before coding-DNA position 2165, G replaced by C.
Molecular consequence: intron variant. On other transcripts: 5 prime UTR variant (3).
Genome position (GRCh38, 1-based): chr13:24,270,856, G>C. VCF-style: chr13-24270856-G-C. GRCh37 (hg19) VCF-style: chr13-24844994-G-C.
Other names: c.-2G>C (NM_001286793.2, NM_001286795.2); c.-144G>C (NM_001286794.2); c.2351-13279G>C (NM_001286792.2); c.290-13279G>C (NM_153023.4).
Identifiers: ClinVar variation 3059614 (VCV003059614.2), dbSNP rs35768526, ClinGen allele CA6914112.